The following is an entry in ClinVar:

NM_004629.2(FANCG):c.308-12T>G

Gene: FANCG (FA complementation group G; minus strand). Cytogenetic location: 9p13.3.
Variant type: single nucleotide variant.
Coding change: c.308-12T>G on transcript NM_004629.2 (MANE Select); 12 bases into the intron before coding-DNA position 308, T replaced by G.
Molecular consequence: intron variant.
Genome position (GRCh38, 1-based): chr9:35,078,355, A>C on the plus strand (T>G on the coding strand, the complement: FANCG is on the minus strand). VCF-style: chr9-35078355-A-C. GRCh37 (hg19) VCF-style: chr9-35078352-A-C.
Identifiers: ClinVar variation 2149897 (VCV002149897.4), dbSNP rs1486575606, ClinGen allele CA587568864.
Genomic context (GRCh38, chr9:35,078,355, plus strand): 5'-CTGAGCCCCTGTTCCAACCTGGGCCCCTGCTGCTCCTGTGTCTCCAGCACTGTAGAGTAT[A>C]CACACACACATAGACACACACACAGCTGAAGTAGCACCTCATCCTCCATCTCCCCACACA-3'

ClinVar aggregate classification (germline): Uncertain significance (1 of 4 stars; one submission).

Conditions:
Fanconi anemia (FA). Also called: Fanconi's anemia. Identifiers: Orphanet 84, MedGen C0015625, MeSH D005199, MONDO:0019391.

Allele frequency attached by ClinVar (database versions not stated): gnomAD exomes below 0.00001; TOPMed 0.00001; gnomAD 0.00003.
gnomAD v4.1: 6 of 1,606,846 alleles (0.00037%); highest among the groups gnomAD compares: Admixed American, 0.01%; no homozygotes.

Submission:

Labcorp Genetics (formerly Invitae), Labcorp
Classification: Uncertain significance for Fanconi anemia. Last evaluated: 2024-12-09. Review status: criteria provided, single submitter. Criteria: Invitae Variant Classification Sherloc (09022015). Collection method: clinical testing. Allele origin: germline.
Comment: This sequence change falls in intron 3 of the FANCG gene. It does not directly change the encoded amino acid sequence of the FANCG protein. This variant is present in population databases (no rsID available, gnomAD 0.009%). This variant has not been reported in the literature in individuals affected with FANCG-related conditions. ClinVar contains an entry for this variant (Variation ID: 2149897). Algorithms developed to predict the effect of sequence changes on RNA splicing suggest that this variant may disrupt the consensus splice site. In summary, the available evidence is currently insufficient to determine the role of this variant in disease. Therefore, it has been classified as a Variant of Uncertain Significance.